The following is an entry in ClinVar:

NC_000010.10:g.(?_14981799)_(14996009_?)del

Gene: DCLRE1C (DNA cross-link repair 1C; minus strand). Cytogenetic location: 10p13.
Variant type: Deletion.
Identifiers: ClinVar variation 2423518 (VCV002423518.3).

ClinVar aggregate classification (germline): Pathogenic (1 of 4 stars; one submission).

Conditions:
Severe combined immunodeficiency due to DCLRE1C deficiency (RS-SCID). Also called: SCID, AUTOSOMAL RECESSIVE, T CELL-NEGATIVE, B CELL-NEGATIVE, NK CELL-POSITIVE, WITH SENSITIVITY TO IONIZING RADIATION. Identifiers: Orphanet 275, MedGen C1865371, MONDO:0011225, OMIM 602450.

Submission:

Labcorp Genetics (formerly Invitae), Labcorp
Classification: Pathogenic for Athabaskan severe combined immunodeficiency. Last evaluated: 2022-07-18. Review status: criteria provided, single submitter. Criteria: Invitae Variant Classification Sherloc (09022015). Collection method: clinical testing. Allele origin: germline.
Comment: This variant is a gross deletion of the genomic region encompassing exon(s) 1-4 of the DCLRE1C gene, which includes the initiator codon. This deletion extends beyond the assayed region for this gene and therefore may encompass additional genes. It is expected to result in an absent or disrupted protein product. Loss-of-function variants in DCLRE1C are known to be pathogenic (PMID: 21664875, 26123418). A similar copy number variant has been observed in individual(s) with severe combined immunodeficiency (PMID: 11336668, 28747913). For these reasons, this variant has been classified as Pathogenic.

Literature cited by the submitters: PubMed 21664875; PubMed 26123418; PubMed 11336668; PubMed 28747913.